The following is an entry in ClinVar:

ClinVar aggregate classification (germline): Uncertain significance. Review status: criteria provided, multiple submitters, no conflicts (2 of 4 stars). 3 submissions from 3 submitters: Uncertain significance (3). Last evaluated 2024-06-08.

Conditions:
Classic or attenuated familial adenomatous polyposis. Identifiers: MedGen CN372698, MONDO:0021057.
Hereditary cancer-predisposing syndrome. Also called: Hereditary neoplastic syndrome; Neoplastic Syndromes, Hereditary; Tumor predisposition; Hereditary Cancer Syndrome. Identifiers: Orphanet 140162, MedGen C0027672, MeSH D009386, MONDO:0015356.
Familial adenomatous polyposis 1 (FAP1). Also called: POLYPOSIS, ADENOMATOUS INTESTINAL; FAMILIAL ADENOMATOUS POLYPOSIS 1, ATTENUATED. Identifiers: MedGen C2713442, MONDO:0021056, OMIM 175100. Disease mechanism: loss of function.

Allele frequency attached by ClinVar (database versions not stated): gnomAD exomes below 0.00001.
gnomAD v4.1: 2 of 1,613,986 alleles (0.00012%); highest among the groups gnomAD compares: Non-Finnish European, 0.000085%; no homozygotes.

Submissions (3):

Labcorp Genetics (formerly Invitae), Labcorp
Classification: Uncertain significance for Familial adenomatous polyposis 1. Last evaluated: 2024-06-08. Review status: criteria provided, single submitter. Criteria: Invitae Variant Classification Sherloc (09022015). Collection method: clinical testing. Allele origin: germline.
Comment: This sequence change replaces glutamic acid, which is acidic and polar, with lysine, which is basic and polar, at codon 1726 of the APC protein (p.Glu1726Lys). This variant is not present in population databases (gnomAD no frequency). This variant has not been reported in the literature in individuals affected with APC-related conditions. ClinVar contains an entry for this variant (Variation ID: 836648). Advanced modeling of protein sequence and biophysical properties (such as structural, functional, and spatial information, amino acid conservation, physicochemical variation, residue mobility, and thermodynamic stability) performed at Invitae indicates that this missense variant is not expected to disrupt APC protein function with a negative predictive value of 95%. In summary, the available evidence is currently insufficient to determine the role of this variant in disease. Therefore, it has been classified as a Variant of Uncertain Significance.

All of Us Research Program, National Institutes of Health
Classification: Uncertain significance for Classic or attenuated familial adenomatous polyposis. Last evaluated: 2023-03-04. Review status: criteria provided, single submitter. Criteria: ACMG Guidelines, 2015. Collection method: clinical testing. Allele origin: germline. Inheritance: Autosomal dominant inheritance. Observed: 1 variant allele, 1 heterozygote.
Comment: This study involves interpretation of variants in research participants for the purpose of population health screening. Participant phenotype was not available at the time of variant classification. Additional details can be found in publication PMID: 35346344, PMCID: PMC8962531

Ambry Genetics
Classification: Uncertain significance for Hereditary cancer-predisposing syndrome. Last evaluated: 2019-06-03. Review status: criteria provided, single submitter. Criteria: Ambry Variant Classification Scheme 2023. Collection method: clinical testing. Allele origin: germline.
Comment: The p.E1726K variant (also known as c.5176G>A), located in coding exon 15 of the APC gene, results from a G to A substitution at nucleotide position 5176. The glutamic acid at codon 1726 is replaced by lysine, an amino acid with similar properties. This amino acid position is highly conserved in available vertebrate species. In addition, in silico predictors for this gene do not accurately predict pathogenicity. Since supporting evidence is limited at this time, the clinical significance of this alteration remains unclear.

NM_000038.6(APC):c.5176G>A (p.Glu1726Lys)

Gene: APC (APC regulator of Wnt signaling pathway; plus strand). Cytogenetic location: 5q22.2.
Variant type: single nucleotide variant.
Coding change: c.5176G>A on transcript NM_000038.6 (MANE Select); coding-DNA position 5176, G replaced by A.
Protein change: p.Glu1726Lys; replaces glutamic acid 1726 with lysine.
Molecular consequence: missense variant.
Genome position (GRCh38, 1-based): chr5:112,840,770, G>A. VCF-style: chr5-112840770-G-A. GRCh37 (hg19) VCF-style: chr5-112176467-G-A.
Other names: c.5176G>A, p.Glu1726Lys (NM_001127510.3, NM_001354895.2); c.5122G>A, p.Glu1708Lys (NM_001127511.3); c.5230G>A, p.Glu1744Lys (NM_001354896.2); c.5206G>A, p.Glu1736Lys (NM_001354897.2); c.5101G>A, p.Glu1701Lys (NM_001354898.2); c.5092G>A, p.Glu1698Lys (NM_001354899.2); c.5053G>A, p.Glu1685Lys (NM_001354900.2); c.4999G>A, p.Glu1667Lys (NM_001354901.2); and 5 more; short protein forms E1708K, E1726K, E1736K, E1635K, E1685K, E1698K, E1701K, E1744K.
Identifiers: ClinVar variation 836648 (VCV000836648.14), dbSNP rs1561598222, ClinGen allele CA16032643.